The following is an entry in ClinVar:

NM_001042492.3(NF1):c.992_1016del (p.Ser331fs)

Gene: NF1 (neurofibromin 1; plus strand). Cytogenetic location: 17q11.2.
Variant type: Deletion.
Coding change: c.992_1016del on transcript NM_001042492.3 (MANE Select); coding-DNA positions 992 to 1016, 25 bases deleted (GTACTTACATCAATTGGGAAGATAA).
Protein change: p.Ser331fs; shifts the reading frame from serine 331.
Molecular consequence: frameshift variant.
Genome position (GRCh38, 1-based): chr17:31,200,525-31,200,549, GTACTTACATCAATTGGGAAGATAA deleted; deleting any 25 consecutive bases within chr17:31,200,523-31,200,549 gives the same sequence; the c. name uses the placement nearest the transcript's 3' end. VCF-style (leftmost placement, unchanged base first): chr17-31200522-CAAGTACTTACATCAATTGGGAAGAT-C. GRCh37 (hg19) VCF-style: chr17-29527540-CAAGTACTTACATCAATTGGGAAGAT-C.
Other names: c.992_1016del25, p.Ser331Thrfs (NM_000267.4); c.992_1016del, p.Ser331fs (NM_001128147.3); short protein forms S331fs.
Identifiers: ClinVar variation 2858152 (VCV002858152.3), dbSNP rs2544793983, ClinGen allele CA2739267325.

ClinVar aggregate classification (germline): Pathogenic (1 of 4 stars; one submission).

Conditions:
Neurofibromatosis, type 1 (NF1). Also called: VON RECKLINGHAUSEN DISEASE; Neurofibromatosis, type I; Peripheral type neurofibromatosis; NEUROFIBROMATOSIS, TYPE I, SOMATIC. Identifiers: Orphanet 636, MedGen C0027831, MONDO:0018975, OMIM 162200. Disease mechanism: loss of function.

Submission:

Labcorp Genetics (formerly Invitae), Labcorp
Classification: Pathogenic for Neurofibromatosis, type 1. Last evaluated: 2023-04-22. Review status: criteria provided, single submitter. Criteria: Invitae Variant Classification Sherloc (09022015). Collection method: clinical testing. Allele origin: germline.
Comment: For these reasons, this variant has been classified as Pathogenic. Algorithms developed to predict the effect of sequence changes on RNA splicing suggest that this variant may disrupt the consensus splice site. This variant has not been reported in the literature in individuals affected with NF1-related conditions. This variant is not present in population databases (gnomAD no frequency). This sequence change creates a premature translational stop signal (p.Ser331Thrfs*37) in the NF1 gene. It is expected to result in an absent or disrupted protein product. Loss-of-function variants in NF1 are known to be pathogenic (PMID: 10712197, 23913538).

Literature cited by the submitters: PubMed 10712197; PubMed 23913538.